The following is an entry in ClinVar:

NM_000059.4(BRCA2):c.775del (p.Arg259fs)

Gene: BRCA2 (BRCA2 DNA repair associated; plus strand). Cytogenetic location: 13q13.1.
Variant type: Deletion.
Coding change: c.775del on transcript NM_000059.4 (MANE Select); coding-DNA position 775, one base deleted (A; older notation c.775delA).
Protein change: p.Arg259fs; shifts the reading frame from arginine 259.
Molecular consequence: frameshift variant.
Genome position (GRCh38, 1-based): chr13:32,331,012, A deleted; the last of 3 consecutive A bases (chr13:32,331,010-32,331,012); deleting any one gives the same sequence. VCF-style (leftmost placement, unchanged base first): chr13-32331009-CA-C. GRCh37 (hg19) VCF-style: chr13-32905146-CA-C.
Other names: 1003delA; c.775delA (NM_000059.3).
Identifiers: ClinVar variation 52403 (VCV000052403.7), dbSNP rs75096777, ClinGen allele CA025263.
Genomic context (GRCh38, chr13:32,331,009, plus strand): 5'-GAAAGTCTGAAGAAAAATGATAGATTTATCGCTTCTGTGACAGACAGTGAAAACACAAAT[CA>C]AAGAGAAGCTGCAAGTCATGGTAAGTCCTCTGTTTAGTTGAACTACAGGTTTTTTTGTTG-3'

ClinVar aggregate classification (germline): Pathogenic. Review status: reviewed by expert panel (3 of 4 stars). 2 submissions from 2 submitters: Pathogenic (1). 1 of the submissions does not count toward it. Last evaluated 2016-10-18.

Conditions:
Hereditary cancer-predisposing syndrome. Also called: Neoplastic Syndromes, Hereditary; Tumor predisposition; Hereditary neoplastic syndrome; Hereditary Cancer Syndrome. Identifiers: Orphanet 140162, MedGen C0027672, MeSH D009386, MONDO:0015356.
Breast-ovarian cancer, familial, susceptibility to, 2 (BROVCA2). Also called: BRCA2 Hereditary Breast and Ovarian Cancer. Identifiers: Orphanet 145, MedGen C2675520, MONDO:0012933, OMIM 612555. Disease mechanism: loss of function.

Submissions (2):

Evidence-based Network for the Interpretation of Germline Mutant Alleles (ENIGMA)
Classification: Pathogenic for Breast-ovarian cancer, familial, susceptibility to, 2. Last evaluated: 2016-10-18. Review status: reviewed by expert panel. Criteria: ENIGMA BRCA1/2 Classification Criteria (2015). Collection method: curation. Allele origin: germline.
Comment: Variant allele predicted to encode a truncated non-functional protein.

Ambry Genetics
Classification: Pathogenic for Hereditary cancer-predisposing syndrome. Last evaluated: 2016-08-25. Review status: criteria provided, single submitter. Criteria: Ambry Variant Classification Scheme 2023. Collection method: clinical testing. Allele origin: germline. Not counted in ClinVar's aggregate classification.
Comment: The c.775delA pathogenic mutation, located in coding exon 8 of the BRCA2 gene, results from a deletion of one nucleotide at nucleotide position 775, causing a translational frameshift with a predicted alternate stop codon. In addition to the clinical data presented in the literature, this alteration is expected to result in loss of function by premature protein truncation or nonsense-mediated mRNA decay. As such, this alteration is interpreted as a disease-causing mutation.

Literature cited by the submitters: PubMed 15519522 (cited by Ambry Genetics).